The following is an entry in ClinVar:

NM_001018113.3(FANCB):c.659A>G (p.Gln220Arg)

Gene: FANCB (FA complementation group B; minus strand). Cytogenetic location: Xp22.2.
Variant type: single nucleotide variant.
Coding change: c.659A>G on transcript NM_001018113.3 (MANE Select); coding-DNA position 659, A replaced by G.
Protein change: p.Gln220Arg; replaces glutamine 220 with arginine.
Molecular consequence: missense variant.
Genome position (GRCh38, 1-based): chrX:14,864,852, T>C on the plus strand (A>G on the coding strand, the complement: FANCB is on the minus strand). VCF-style: chrX-14864852-T-C. GRCh37 (hg19) VCF-style: chrX-14882974-T-C.
Other names: c.659A>G, p.Gln220Arg (NM_001324162.2, NM_001410764.1, NM_152633.4); short protein forms Q220R.
Identifiers: ClinVar variation 2187093 (VCV002187093.4), dbSNP rs751071983, ClinGen allele CA10353181.

ClinVar aggregate classification (germline): Uncertain significance (1 of 4 stars; one submission).

Conditions:
Fanconi anemia (FA). Also called: Fanconi's anemia. Identifiers: Orphanet 84, MedGen C0015625, MeSH D005199, MONDO:0019391.

Allele frequency attached by ClinVar (database versions not stated): gnomAD exomes below 0.00001; ExAC 0.00001.
gnomAD v4.1: 2 of 1,210,538 alleles (0.00017%); highest among the groups gnomAD compares: Non-Finnish European, 0.00022%; no homozygotes.

Submission:

Labcorp Genetics (formerly Invitae), Labcorp
Classification: Uncertain significance for Fanconi anemia. Last evaluated: 2022-09-23. Review status: criteria provided, single submitter. Criteria: Invitae Variant Classification Sherloc (09022015). Collection method: clinical testing. Allele origin: germline.
Comment: In summary, the available evidence is currently insufficient to determine the role of this variant in disease. Therefore, it has been classified as a Variant of Uncertain Significance. Advanced modeling of protein sequence and biophysical properties (such as structural, functional, and spatial information, amino acid conservation, physicochemical variation, residue mobility, and thermodynamic stability) has been performed at Invitae for this missense variant, however the output from this modeling did not meet the statistical confidence thresholds required to predict the impact of this variant on FANCB protein function. This variant has not been reported in the literature in individuals affected with FANCB-related conditions. This variant is present in population databases (rs751071983, gnomAD 0.001%). This sequence change replaces glutamine, which is neutral and polar, with arginine, which is basic and polar, at codon 220 of the FANCB protein (p.Gln220Arg).